The following is an entry in ClinVar:

ClinVar aggregate classification (germline): Uncertain significance (1 of 4 stars; one submission).

Conditions:
Propionic acidemia (PROP). Also called: GLYCINEMIA, KETOTIC; HYPERGLYCINEMIA WITH KETOACIDOSIS AND LEUKOPENIA; KETOTIC HYPERGLYCINEMIA. Identifiers: Orphanet 35, MedGen C0268579, MONDO:0011628, OMIM 606054, HP:0003571.

Allele frequency attached by ClinVar (database versions not stated): gnomAD exomes 0.00001.

Submission:

Labcorp Genetics (formerly Invitae), Labcorp
Classification: Uncertain significance for Propionic acidemia. Last evaluated: 2021-11-09. Review status: criteria provided, single submitter. Criteria: Invitae Variant Classification Sherloc (09022015). Collection method: clinical testing. Allele origin: germline.
Comment: This sequence change replaces glycine, which is neutral and non-polar, with aspartic acid, which is acidic and polar, at codon 52 of the PCCA protein (p.Gly52Asp). This variant is present in population databases (rs755553674, gnomAD 0.002%). This variant has not been reported in the literature in individuals affected with PCCA-related conditions. Advanced modeling of protein sequence and biophysical properties (such as structural, functional, and spatial information, amino acid conservation, physicochemical variation, residue mobility, and thermodynamic stability) performed at Invitae indicates that this missense variant is not expected to disrupt PCCA protein function. In summary, the available evidence is currently insufficient to determine the role of this variant in disease. Therefore, it has been classified as a Variant of Uncertain Significance.

NM_000282.4(PCCA):c.155G>A (p.Gly52Asp)

Gene: PCCA (propionyl-CoA carboxylase subunit alpha; plus strand). Cytogenetic location: 13q32.3.
Variant type: single nucleotide variant.
Coding change: c.155G>A on transcript NM_000282.4 (MANE Select); coding-DNA position 155, G replaced by A.
Protein change: p.Gly52Asp; replaces glycine 52 with aspartic acid.
Molecular consequence: missense variant. On other transcripts: 5 prime UTR variant (3), non-coding transcript variant (4), intron variant (3).
Genome position (GRCh38, 1-based): chr13:100,102,932, G>A. VCF-style: chr13-100102932-G-A. GRCh37 (hg19) VCF-style: chr13-100755186-G-A.
Other names: c.155G>A, p.Gly52Asp (NM_001178004.2, NM_001352605.2, NM_001352606.2 and 1 more transcripts); c.-712G>A (NM_001352610.2, NM_001352611.2, NM_001352612.2); c.106-8909G>A (NM_001127692.3, NM_001352607.2, NM_001352608.2); short protein forms G52D.
Identifiers: ClinVar variation 1462613 (VCV001462613.6), dbSNP rs755553674, ClinGen allele CA7033104.
Genomic context (GRCh38, chr13:100,102,932, plus strand): 5'-TTTTTTTGTAGCATGTTCTGTACTATTCAAGACAGTGCTTAATGGTGTCCCGTAATCTTG[G>A]TTCAGTGGGATATGATCCTAATGAAAAAGTAAGTATTTAAAAGATATTCTCAACAACTAA-3'
Protein context (NP_000273.2, residues 42-62): RQCLMVSRNL[Gly52Asp]SVGYDPNEKT